The following is an entry in ClinVar:

ClinVar aggregate classification (germline): Uncertain significance (1 of 4 stars; one submission).

Conditions:
Primary ciliary dyskinesia. Also called: Ciliary dyskinesia. Identifiers: Orphanet 244, MedGen C0008780, MONDO:0016575, HP:0012265.

Allele frequency attached by ClinVar (database versions not stated): gnomAD exomes below 0.00001; TOPMed 0.00001.
gnomAD v4.1: 1 of 1,614,004 alleles (0.000062%); highest among the groups gnomAD compares: Admixed American, 0.0017%; no homozygotes.

Submission:

Labcorp Genetics (formerly Invitae), Labcorp
Classification: Uncertain significance for Primary ciliary dyskinesia. Last evaluated: 2022-07-02. Review status: criteria provided, single submitter. Criteria: Invitae Variant Classification Sherloc (09022015). Collection method: clinical testing. Allele origin: germline.
Comment: This sequence change replaces leucine, which is neutral and non-polar, with histidine, which is basic and polar, at codon 729 of the CCDC40 protein (p.Leu729His). In summary, the available evidence is currently insufficient to determine the role of this variant in disease. Therefore, it has been classified as a Variant of Uncertain Significance. Algorithms developed to predict the effect of missense changes on protein structure and function are either unavailable or do not agree on the potential impact of this missense change (SIFT: "Deleterious"; PolyPhen-2: "Possibly Damaging"; Align-GVGD: "Class C0"). This variant has not been reported in the literature in individuals affected with CCDC40-related conditions. This variant is not present in population databases (gnomAD no frequency).

NM_017950.4(CCDC40):c.2186T>A (p.Leu729His)

Gene: CCDC40 (coiled-coil domain 40 molecular ruler complex subunit; plus strand). Cytogenetic location: 17q25.3.
Variant type: single nucleotide variant.
Coding change: c.2186T>A on transcript NM_017950.4 (MANE Select); coding-DNA position 2186, T replaced by A.
Protein change: p.Leu729His; replaces leucine 729 with histidine.
Molecular consequence: missense variant.
Genome position (GRCh38, 1-based): chr17:80,084,939, T>A. VCF-style: chr17-80084939-T-A. GRCh37 (hg19) VCF-style: chr17-78058738-T-A.
Other names: c.2186T>A, p.Leu729His (NM_001243342.2); short protein forms L729H.
Identifiers: ClinVar variation 2198813 (VCV002198813.4), dbSNP rs2038546674, ClinGen allele CA401343938.